The following is an entry in ClinVar:

NM_025114.4(CEP290):c.2571del (p.Lys857_Val858insTer)

Gene: CEP290 (centrosomal protein 290; minus strand). Cytogenetic location: 12q21.32.
Variant type: Deletion.
Coding change: c.2571del on transcript NM_025114.4 (MANE Select); coding-DNA position 2571, one base deleted (A; older notation c.2571delA).
Protein change: p.Lys857_Val858insTer.
Molecular consequence: frameshift variant.
Genome position (GRCh38, 1-based): chr12:88,107,011, T deleted on the plus strand (A on the coding strand, the reverse complement: CEP290 is on the minus strand); the first of 4 consecutive T bases (chr12:88,107,011-88,107,014); deleting any one gives the same sequence. VCF-style (leftmost placement, unchanged base first): chr12-88107010-CT-C. GRCh37 (hg19) VCF-style: chr12-88500787-CT-C.
Identifiers: ClinVar variation 2055659 (VCV002055659.4), dbSNP rs2500628432, ClinGen allele CA2580086731.

ClinVar aggregate classification (germline): Pathogenic (1 of 4 stars; one submission).

Conditions:
Joubert syndrome. Also called: CEREBELLOPARENCHYMAL DISORDER IV; JOUBERT-BOLTSHAUSER SYNDROME; Familial aplasia of the vermis. Identifiers: Orphanet 475, MedGen C5979921, MONDO:0018772.
Nephronophthisis. Also called: Juvenile Nephronophthisis. Identifiers: Orphanet 655, MedGen C0687120, MONDO:0019005, HP:0000090.
Meckel-Gruber syndrome. Also called: DYSENCEPHALIA SPLANCHNOCYSTICA; GRUBER SYNDROME; Dysencephalia splachnocystica. Identifiers: Orphanet 564, MedGen C0265215, MONDO:0018921.

Submission:

Labcorp Genetics (formerly Invitae), Labcorp
Classification: Pathogenic for Joubert syndrome; Meckel-Gruber syndrome; Nephronophthisis. Last evaluated: 2021-12-23. Review status: criteria provided, single submitter. Criteria: Invitae Variant Classification Sherloc (09022015). Collection method: clinical testing. Allele origin: germline.
Comment: This sequence change creates a premature translational stop signal (p.Val858*) in the CEP290 gene. It is expected to result in an absent or disrupted protein product. Loss-of-function variants in CEP290 are known to be pathogenic (PMID: 16909394, 17345604, 20690115). This variant is not present in population databases (gnomAD no frequency). This variant has not been reported in the literature in individuals affected with CEP290-related conditions. For these reasons, this variant has been classified as Pathogenic.

Literature cited by the submitters: PubMed 16909394; PubMed 17345604; PubMed 20690115.